The following is an entry in ClinVar:

ClinVar aggregate classification (germline): Uncertain significance (1 of 4 stars; one submission).

Submission:

Labcorp Genetics (formerly Invitae), Labcorp
Classification: Uncertain significance. Last evaluated: 2022-04-07. Review status: criteria provided, single submitter. Criteria: Invitae Variant Classification Sherloc (09022015). Collection method: clinical testing. Allele origin: germline.
Comment: This sequence change replaces serine, which is neutral and polar, with tyrosine, which is neutral and polar, at codon 533 of the A2ML1 protein (p.Ser533Tyr). This variant is not present in population databases (gnomAD no frequency). This variant has not been reported in the literature in individuals affected with A2ML1-related conditions. Algorithms developed to predict the effect of missense changes on protein structure and function are either unavailable or do not agree on the potential impact of this missense change (SIFT: "Deleterious"; PolyPhen-2: "Benign"; Align-GVGD: "Class C15"). In summary, the available evidence is currently insufficient to determine the role of this variant in disease. Therefore, it has been classified as a Variant of Uncertain Significance.

NM_144670.6(A2ML1):c.1598C>A (p.Ser533Tyr)

Gene: A2ML1 (alpha-2-macroglobulin like 1; plus strand). Cytogenetic location: 12p13.31.
Variant type: single nucleotide variant.
Coding change: c.1598C>A on transcript NM_144670.6 (MANE Select); coding-DNA position 1598, C replaced by A.
Protein change: p.Ser533Tyr; replaces serine 533 with tyrosine.
Molecular consequence: missense variant.
Genome position (GRCh38, 1-based): chr12:8,846,137, C>A. VCF-style: chr12-8846137-C-A. GRCh37 (hg19) VCF-style: chr12-8998733-C-A.
Other names: c.125C>A, p.Ser42Tyr (NM_001282424.3); short protein forms S533Y, S42Y.
Identifiers: ClinVar variation 2122329 (VCV002122329.4), dbSNP rs2539236956, ClinGen allele CA383827355.